The following is an entry in ClinVar:

ClinVar aggregate classification (germline): Likely benign. Review status: criteria provided, multiple submitters, no conflicts (2 of 4 stars). 2 submissions from 2 submitters: Likely benign (2). Last evaluated 2017-04-27.

Conditions:
Mast syndrome. Also called: SPASTIC PARAPLEGIA 21, AUTOSOMAL RECESSIVE. Identifiers: Orphanet 101001, MedGen C1855346, MONDO:0009568, OMIM 248900.

Allele frequency attached by ClinVar (database versions not stated): gnomAD exomes 0.01307; gnomAD 0.08568 and 0.08607; TOPMed 0.09021; 1000 Genomes Project 30x 0.12274.

Submissions (2):

Illumina Laboratory Services, Illumina
Classification: Likely benign for Mast syndrome. Last evaluated: 2017-04-27. Review status: criteria provided, single submitter. Criteria: ICSL Variant Classification Criteria 13 December 2019. Collection method: clinical testing. Allele origin: germline.
Comment: This variant was observed as part of a predisposition screen in an ostensibly healthy population. A literature search was performed for the gene, cDNA change, and amino acid change (where applicable). No publications were found based on this search. Allele frequency data from public databases allowed determination this variant is unlikely to cause disease. Therefore, this variant is classified as likely benign.

Breakthrough Genomics
Classification: Likely benign. Review status: criteria provided, single submitter. Criteria: ACMG Guidelines, 2015. Collection method: not provided. Allele origin: germline. Inheritance: Autosomal recessive inheritance. Affected: yes.

NM_016630.7(SPG21):c.*593=

Gene: SPG21 (SPG21 abhydrolase domain containing, maspardin; minus strand). Cytogenetic location: 15q22.31.
Variant type: single nucleotide variant.
Coding change: c.*593= on transcript NM_016630.7 (MANE Select); 593 bases downstream of the stop codon, no change from the reference sequence.
Molecular consequence: no sequence alteration.
Genome position: GRCh38 VCF-style: chr15-64963027-T-T. GRCh37 (hg19) VCF-style: chr15-65255368-G-T.
Other names: c.*593= (NM_001127889.5, NM_001127890.5).
Identifiers: ClinVar variation 316714 (VCV000316714.6), dbSNP rs57438358.